The following is an entry in ClinVar:

NM_001211.6(BUB1B):c.1316G>C (p.Arg439Thr)

Gene: BUB1B (BUB1 mitotic checkpoint serine/threonine kinase B; plus strand). Cytogenetic location: 15q15.1.
Variant type: single nucleotide variant.
Coding change: c.1316G>C on transcript NM_001211.6 (MANE Select); coding-DNA position 1316, G replaced by C.
Protein change: p.Arg439Thr; replaces arginine 439 with threonine.
Molecular consequence: missense variant.
Genome position (GRCh38, 1-based): chr15:40,199,642, G>C. VCF-style: chr15-40199642-G-C. GRCh37 (hg19) VCF-style: chr15-40491843-G-C.
Other names: short protein forms R439T.
Identifiers: ClinVar variation 2562097 (VCV002562097.2), dbSNP rs2542554819, ClinGen allele CA391688656.

ClinVar aggregate classification (germline): Uncertain significance (1 of 4 stars; one submission).

Conditions:
Inborn genetic diseases. Identifiers: MedGen C0950123, MeSH D030342.

Submission:

Ambry Genetics
Classification: Uncertain significance for Inborn genetic diseases. Last evaluated: 2023-04-26. Review status: criteria provided, single submitter. Criteria: Ambry Variant Classification Scheme 2023. Collection method: clinical testing. Allele origin: germline.
Comment: The p.R439T variant (also known as c.1316G>C), located in coding exon 10 of the BUB1B gene, results from a G to C substitution at nucleotide position 1316. The arginine at codon 439 is replaced by threonine, an amino acid with similar properties. This amino acid position is conserved. In addition, this alteration is predicted to be tolerated by in silico analysis. Since supporting evidence is limited at this time, the clinical significance of this alteration remains unclear.